The following is an entry in ClinVar:

NM_000038.6(APC):c.518del (p.Pro173fs)

Gene: APC (APC regulator of Wnt signaling pathway; plus strand). Cytogenetic location: 5q22.2.
Variant type: Deletion.
Coding change: c.518del on transcript NM_000038.6 (MANE Select); coding-DNA position 518, one base deleted (C; older notation c.518delC).
Protein change: p.Pro173fs; shifts the reading frame from proline 173.
Molecular consequence: frameshift variant. On other transcripts: 5 prime UTR variant (4), non-coding transcript variant (2).
Genome position (GRCh38, 1-based): chr5:112,775,724, C deleted; the last of 2 consecutive C bases (chr5:112,775,723-112,775,724); deleting either gives the same sequence. VCF-style (leftmost placement, unchanged base first): chr5-112775722-TC-T. GRCh37 (hg19) VCF-style: chr5-112111419-TC-T.
Other names: c.518del, p.Pro173fs (NM_001127510.3, NM_001354895.2, NM_001354896.2 and 16 more transcripts); c.548del, p.Pro183fs (NM_001127511.3, NM_001354897.2, NM_001354902.2 and 1 more transcripts); c.443del, p.Pro148fs (NM_001354898.2, NM_001354904.2, NM_001407451.1); c.341del, p.Pro114fs (NM_001354900.2, NM_001354901.2, NM_001354905.2 and 1 more transcripts); c.-518del (NM_001354906.2, NM_001407470.1, NM_001407471.1 and 1 more transcripts); short protein forms P114fs, P148fs, P173fs, P183fs.
Identifiers: ClinVar variation 2583530 (VCV002583530.2), dbSNP rs2532416567, ClinGen allele CA2582341384.
Genomic context (GRCh38, chr5:112,775,722, plus strand): 5'-AAAGGAAAAAGACTGGTATTACGCTCAACTTCAGAATCTCACTAAAAGAATAGATAGTCT[TC>T]CTTTAACTGAAAATGTAAGTAACTTGGCAGTACAACTTATTTGAAACTTTAATAACTTGA-3'

ClinVar aggregate classification (germline): Pathogenic (1 of 4 stars; one submission).

Conditions:
Familial adenomatous polyposis 1 (FAP1). Also called: POLYPOSIS, ADENOMATOUS INTESTINAL; FAMILIAL ADENOMATOUS POLYPOSIS 1, ATTENUATED. Identifiers: MedGen C2713442, MONDO:0021056, OMIM 175100. Disease mechanism: loss of function.

Submission:

Myriad Genetics, Inc.
Classification: Pathogenic for Familial adenomatous polyposis 1. Last evaluated: 2023-04-26. Review status: criteria provided, single submitter. Criteria: Myriad Autosomal Dominant, Autosomal Recessive and X-Linked Classification Criteria (2023). Collection method: clinical testing. Allele origin: unknown.
Comment: This variant is considered pathogenic. This variant creates a frameshift predicted to result in premature protein truncation.